The following is an entry in ClinVar:

NM_006393.3(NEBL):c.798+237G>T

Gene: NEBL (nebulette; minus strand). Cytogenetic location: 10p12.31.
Variant type: single nucleotide variant.
Coding change: c.798+237G>T on transcript NM_006393.3 (MANE Select); 237 bases into the intron after coding-DNA position 798, G replaced by T.
Molecular consequence: intron variant.
Genome position (GRCh38, 1-based): chr10:20,859,476, C>A on the plus strand (G>T on the coding strand, the complement: NEBL is on the minus strand). VCF-style: chr10-20859476-C-A. GRCh37 (hg19) VCF-style: chr10-21148405-C-A.
Other names: c.250-46536G>T (NM_001377326.1, NM_001377327.1, NM_001377328.1); c.358-46536G>T (NM_213569.2, NM_001173484.2, NM_001377322.1); c.301-46536G>T (NM_001377324.1); c.292-46536G>T (NM_001377325.1); c.310-46536G>T (NM_001377323.1).
Identifiers: ClinVar variation 679122 (VCV000679122.1), dbSNP rs45586736, ClinGen allele CA204193953.

ClinVar aggregate classification (germline): Benign (1 of 4 stars; one submission).

Allele frequency attached by ClinVar (database versions not stated): gnomAD 0.01795; TOPMed 0.02071; 1000 Genomes Project 30x 0.02452; 1000 Genomes Project 0.02456.
gnomAD v4.1: 2,849 of 151,936 alleles (1.9%); highest among the groups gnomAD compares: African/African-American, 6.3%; 81 homozygotes.

Submission:

GeneDx
Classification: Benign. Last evaluated: 2018-06-14. Review status: criteria provided, single submitter. Criteria: GeneDx Variant Classification (06012015). Collection method: clinical testing. Allele origin: germline. Affected: yes.
Comment: This variant is considered likely benign or benign based on one or more of the following criteria: it is a conservative change, it occurs at a poorly conserved position in the protein, it is predicted to be benign by multiple in silico algorithms, and/or has population frequency not consistent with disease.